The following is an entry in ClinVar:

ClinVar aggregate classification (germline): Conflicting classifications of pathogenicity. Review status: criteria provided, conflicting classifications (1 of 4 stars). 5 submissions from 5 submitters: Likely pathogenic (1); Uncertain significance (4). Last evaluated 2025-12-16.

Conditions:
Inborn genetic diseases. Identifiers: MedGen C0950123, MeSH D030342.
GPR143-related disorder. Also called: GPR143-related condition.
Ocular albinism, type I (OA1). Also called: X-linked recessive ocular albinism; Ocular Albinism type 1; Ocular albinism, type I, Nettleship-Falls type; NETTLESHIP-FALLS TYPE OCULAR ALBINISM. Identifiers: Orphanet 54, MedGen C0342684, MONDO:0021019, OMIM 300500.

Allele frequency attached by ClinVar (database versions not stated): ExAC 0.00001; gnomAD exomes 0.00001; gnomAD 0.00002; TOPMed 0.00003.
gnomAD v4.1: 10 of 1,178,058 alleles (0.00085%); highest among the groups gnomAD compares: South Asian, 0.0071%; no homozygotes.

Submissions (5):

3billion
Classification: Uncertain significance for Ocular albinism, type I. Last evaluated: 2025-12-16. Review status: criteria provided, single submitter. Criteria: ACMG Guidelines, 2015. Collection method: clinical testing. Allele origin: germline. Affected: yes.
Comment: The variant is observed at an extremely low frequency in the gnomAD v4.1.0 dataset (total allele frequency: <0.001%). Predicted Consequence/Location: Missense variant In silico tool predictions suggest damaging effect of the variant on gene or gene product [REVEL: 0.95 (>=0.6, sensitivity 0.68 and specificity 0.92)]. A different missense change at the same codon (p.Thr232Lys) has been reported to be associated with GPR143-related disorder (ClinVar ID: VCV000010518 /PMID: 9529334). However the evidence of pathogenicity is insufficient at this time. Therefore, this variant is classified as VUS according to the recommendation of ACMG/AMP guideline.

Labcorp Genetics (formerly Invitae), Labcorp
Classification: Likely pathogenic. Last evaluated: 2025-11-28. Review status: criteria provided, single submitter. Criteria: Invitae Variant Classification Sherloc (09022015). Collection method: clinical testing. Allele origin: germline.
Comment: This sequence change replaces threonine, which is neutral and polar, with methionine, which is neutral and non-polar, at codon 232 of the GPR143 protein (p.Thr232Met). This variant is present in population databases (rs137852297, gnomAD 0.001%). This missense change has been observed in individual(s) with clinical features of ocular albinism (internal data). ClinVar contains an entry for this variant (Variation ID: 1213617). Invitae Evidence Modeling of protein sequence and biophysical properties (such as structural, functional, and spatial information, amino acid conservation, physicochemical variation, residue mobility, and thermodynamic stability) indicates that this missense variant is expected to disrupt GPR143 protein function with a positive predictive value of 95%. This variant disrupts the p.Thr232 amino acid residue in GPR143. Other variant(s) that disrupt this residue have been observed in individuals with GPR143-related conditions (PMID: 9529334), which suggests that this may be a clinically significant amino acid residue. In summary, the currently available evidence indicates that the variant is pathogenic, but additional data are needed to prove that conclusively. Therefore, this variant has been classified as Likely Pathogenic.

PreventionGenetics, part of Exact Sciences
Classification: Uncertain significance for GPR143-related condition. Last evaluated: 2025-07-07. Review status: criteria provided, single submitter. Criteria: ACMG Guidelines, 2015. Collection method: clinical testing. Allele origin: germline.
Comment: The GPR143 c.695C>T variant is predicted to result in the amino acid substitution p.Thr232Met. This variant has been reported in a patient with ocular albinism (Wei et al. 2017. Ophthalmology in China 26(4):224-229, PubMed ID: N/A). Also, a different substitution of this same amino acid residue (p.Thr232Lys) has been reported in an individual with ocular albinism (Schnur et al. 1998. PubMed ID: 9529334). This variant is reported in 0.0012% of alleles in individuals of European (Non-Finnish) descent in gnomAD. Although we suspect that this variant may be pathogenic, at this time, the clinical significance of this variant is uncertain due to the absence of conclusive functional and genetic evidence.

Ambry Genetics
Classification: Uncertain significance for Inborn genetic diseases. Last evaluated: 2021-09-01. Review status: criteria provided, single submitter. Criteria: Ambry Variant Classification Scheme 2023. Collection method: clinical testing. Allele origin: germline.

GeneDx
Classification: Uncertain significance. Last evaluated: 2019-06-20. Review status: criteria provided, single submitter. Criteria: GeneDx Variant Classification Process June 2021. Collection method: clinical testing. Allele origin: germline. Affected: yes.
Comment: Not observed at a significant frequency in large population cohorts (Lek et al., 2016); In silico analysis, which includes protein predictors and evolutionary conservation, supports a deleterious effect; Has not been previously published as pathogenic or benign to our knowledge

Literature cited by the submitters: PubMed 9529334 (cited by 3billion and Labcorp Genetics (formerly Invitae), Labcorp).

NM_000273.3(GPR143):c.695C>T (p.Thr232Met)

Gene: GPR143 (G protein-coupled receptor 143; minus strand). Cytogenetic location: Xp22.2.
Variant type: single nucleotide variant.
Coding change: c.695C>T on transcript NM_000273.3 (MANE Select); coding-DNA position 695, C replaced by T.
Protein change: p.Thr232Met; replaces threonine 232 with methionine.
Molecular consequence: missense variant.
Genome position (GRCh38, 1-based): chrX:9,743,637, G>A on the plus strand (C>T on the coding strand, the complement: GPR143 is on the minus strand). VCF-style: chrX-9743637-G-A. GRCh37 (hg19) VCF-style: chrX-9711677-G-A.
Other names: short protein forms T232M.
Identifiers: ClinVar variation 1213617 (VCV001213617.12), dbSNP rs137852297, ClinGen allele CA10344958.